The following is an entry in ClinVar:

NM_001040108.2(MLH3):c.3342T>A (p.Ala1114=)

Gene: MLH3 (mutL homolog 3; minus strand). Cytogenetic location: 14q24.3.
Variant type: single nucleotide variant.
Coding change: c.3342T>A on transcript NM_001040108.2 (MANE Select); coding-DNA position 3342, T replaced by A.
Protein change: p.Ala1114=; no amino-acid change (alanine 1114 retained).
Molecular consequence: synonymous variant.
Genome position (GRCh38, 1-based): chr14:75,042,416, A>T on the plus strand (T>A on the coding strand, the complement: MLH3 is on the minus strand). VCF-style: chr14-75042416-A-T. GRCh37 (hg19) VCF-style: chr14-75509119-A-T.
Other names: c.3342T>A, p.Ala1114= (NM_014381.3).
Identifiers: ClinVar variation 1730433 (VCV001730433.3), dbSNP rs774911613, ClinGen allele CA7275528.

ClinVar aggregate classification (germline): Benign/Likely benign. Review status: criteria provided, multiple submitters, no conflicts (2 of 4 stars). 2 submissions from 2 submitters: Benign (1); Likely benign (1). Last evaluated 2026-05-06.

Conditions:
Colorectal cancer, hereditary nonpolyposis, type 7. Identifiers: Orphanet 144, MedGen C1858380, MONDO:0013725, OMIM 614385.

Allele frequency attached by ClinVar (database versions not stated): gnomAD exomes below 0.00001; ExAC 0.00001.
gnomAD v4.1: 1 of 1,614,182 alleles (0.000062%); highest among the groups gnomAD compares: Non-Finnish European, 0.000085%; no homozygotes.

Submissions (2):

Myriad Genetics, Inc.
Classification: Benign for Colorectal cancer, hereditary nonpolyposis, type 7. Last evaluated: 2026-05-06. Review status: criteria provided, single submitter. Criteria: Myriad Autosomal Dominant, Autosomal Recessive and X-Linked Classification Criteria (2023). Collection method: clinical testing. Allele origin: unknown.
Comment: This variant is considered benign. This variant is a silent/synonymous amino acid change and it is not expected to impact splicing.

Ambry Genetics
Classification: Likely benign. Last evaluated: 2022-07-04. Review status: criteria provided, single submitter. Criteria: Ambry Variant Classification Scheme 2023. Collection method: clinical testing. Allele origin: germline.